The following is an entry in ClinVar:

NM_000492.3(CFTR):c.1521_1523del (p.Phe508del)

Genes: CFTR (CF transmembrane conductance regulator; plus strand), CFTR-AS1 (CFTR antisense RNA 1; minus strand). Cytogenetic location: 7q31.2.
Variant type: Deletion.
Coding change: c.1521_1523del on transcript NM_000492.3; coding-DNA positions 1521 to 1523, 3 bases deleted (CTT; older notation c.1521_1523delCTT).
Protein change: p.Phe508del; deletes phenylalanine 508.
Molecular consequence: inframe deletion (on NM_000492.4).
Genome position (GRCh38, 1-based): chr7:117,559,592-117,559,594, CTT deleted; deleting any 3 consecutive bases within chr7:117,559,591-117,559,594 gives the same sequence; the c. name uses the placement nearest the transcript's 3' end. VCF-style (leftmost placement, unchanged base first): chr7-117559590-ATCT-A. GRCh37 (hg19) VCF-style: chr7-117199644-ATCT-A.
Other names: F508del; deltaF508; F508delF; DF508; Phe508del; DeltaF508; [delta]F508; c.1520_1522delTCT (NM_000492.3, NM_000492.4); and 3 more.
Identifiers: ClinVar variation 7105 (VCV000007105.216), dbSNP rs113993960, ClinGen allele CA118639.

ClinVar aggregate classification (germline): Pathogenic. Review status: practice guideline (4 of 4 stars). 104 submissions from 91 submitters: Pathogenic (1). 103 of the submissions do not count toward it. Last evaluated 2004-03-03.

Conditions:
Cystic fibrosis diagnostic test.
Fetal anomalies with a likely genetic cause.
CFTR-related disorder (CFTR-RD). Also called: CFTR-related condition; CFTR-related disorders. Identifiers: MedGen C5924204, MONDO:7770004.
Congenital bilateral aplasia of vas deferens from CFTR mutation (CBAVD). Identifiers: Orphanet 48, MedGen C0403814, MONDO:0010178, OMIM 277180. Disease mechanism: loss of function.
Cystic fibrosis (CF). Also called: MUCOVISCIDOSIS. Identifiers: Orphanet 586, MedGen C0010674, MONDO:0009061, OMIM 219700. Disease mechanism: loss of function.
Hereditary pancreatitis (PCTT). Also called: Hereditary chronic pancreatitis; PRSS1-Related Hereditary Pancreatitis. Identifiers: Orphanet 676, MedGen C0238339, MONDO:0008185, OMIM 167800.
Bronchiectasis with or without elevated sweat chloride 1 (BESC1). Also called: Cystic Fibrosis-Like Syndrome. Identifiers: Orphanet 60033, MedGen C2749757, MONDO:0008887, OMIM 211400.
BRONCHIECTASIS WITH OR WITHOUT ELEVATED SWEAT CHLORIDE 1, MODIFIER OF. Identifiers: MedGen C4017631.
ivacaftor / tezacaftor response - Efficacy.
ivacaftor / lumacaftor response - Efficacy. Identifiers: MedGen CN322746.
Obstructive azoospermia. Identifiers: MedGen C4023106, HP:0011962.
Duodenal stenosis. Identifiers: MedGen C0238093, HP:0100867.
Recurrent pancreatitis. Identifiers: MedGen C4551632, HP:0100027.

Submissions 1 to 12 of 104:

American College of Medical Genetics and Genomics  (ACMG)
Classification: Pathogenic for Cystic fibrosis. Last evaluated: 2004-03-03. Review status: practice guideline. Criteria: Guideline for cystic fibrosis carrier screening. Collection method: curation. Allele origin: germline. Inheritance: Autosomal recessive inheritance. Study: The ACMG recommended carrier screening panel.
ClinVar note: Converted during submission from pathogenic to Pathogenic.

ClinPGx
Classification: drug response for ivacaftor / lumacaftor response - Efficacy. Last evaluated: 2021-03-24. Review status: reviewed by expert panel. Criteria: Pharmacogenomics knowledge for personalized medicine. Collection method: curation. Allele origin: germline. Affected: yes. Not counted in ClinVar's aggregate classification.
Comment: PharmGKB Level of Evidence 1A: Level 1A clinical annotations describe variant-drug combinations that have variant-specific prescribing guidance available in a current clinical guideline annotation or an FDA-approved drug label annotation. Annotations of drug labels or clinical guidelines must give prescribing guidance for specific variants (e.g. CYP2C9*3, HLA-B*57:01) or provide mapping from defined allele functions to diplotypes and phenotypes to be used as supporting evidence for a level 1A clinical annotation. Level 1A clinical annotations must also be supported by at least one publication in addition to a clinical guideline or drug label with variant-specific prescribing guidance.

Drug is not necessarily used to treat response condition

ClinPGx
Classification: drug response for ivacaftor / tezacaftor response - Efficacy. Last evaluated: 2021-03-24. Review status: reviewed by expert panel. Criteria: Pharmacogenomics knowledge for personalized medicine. Collection method: curation. Allele origin: germline. Affected: yes. Not counted in ClinVar's aggregate classification.
Comment: the same text as in the submission from ClinPGx above.

CFTR2
Classification: Pathogenic for Cystic fibrosis. Last evaluated: 2017-03-17. Review status: reviewed by expert panel. Criteria: Sosnay PR et al. (Nat Genet 2013). Collection method: research. Allele origin: germline. Affected: yes. Study: CFTR2. Not counted in ClinVar's aggregate classification.

PreventionGenetics, part of Exact Sciences
Classification: Pathogenic for CFTR-related condition. Last evaluated: 2026-09-21. Review status: criteria provided, single submitter. Criteria: ACMG Guidelines, 2015. Collection method: clinical testing. Allele origin: germline. Not counted in ClinVar's aggregate classification.
Comment: The CFTR c.1521_1523delCTT variant is predicted to result in an in-frame deletion (p.Phe508del). This variant, frequently described as ΔF508, is known to disrupt protein function and is the most common cause of autosomal recessive cystic fibrosis (Riordan et al. 1989. PubMed ID: 2475911; Watson et al. 2004. PubMed ID: 15371902; Sosnay et al. 2013. PubMed ID: 23974870). This variant is reported in 1.2% of alleles in individuals of European (Non-Finnish) descent in gnomAD. In summary, we classify this variant as pathogenic.

MVZ Medizinische Genetik Mainz
Classification: Pathogenic for Cystic fibrosis. Last evaluated: 2026-09-04. Review status: criteria provided, single submitter. Criteria: UK Practice Guidelines For Variant Classification V4 01 2020. Collection method: clinical testing. Allele origin: germline. Inheritance: Autosomal recessive inheritance. Affected: yes. Observed: 1 variant allele. Not counted in ClinVar's aggregate classification.

CeGaT Center for Human Genetics Tuebingen
Classification: Pathogenic. Last evaluated: 2026-09-01. Review status: criteria provided, single submitter. Criteria: CeGaT Center For Human Genetics Tuebingen Variant Classification Criteria Version 2. Collection method: clinical testing. Allele origin: germline. Affected: yes. Observed: 111 variant alleles. Not counted in ClinVar's aggregate classification.
Comment: CFTR: PM3:Very Strong, PS3:Moderate, PM2:Supporting, PM4:Supporting, PP4

Genetics Laboratory, Great Ormond Street Hospital NHS Foundation Trust, North Thames Genomic Laboratory Hub
Classification: Pathogenic for Fetal anomalies with a likely genetic cause. Last evaluated: 2026-07-27. Review status: criteria provided, single submitter. Criteria: ACGS Best Practice Guidelines for Variant Classification in Rare Disease 2024 v1.2. Collection method: clinical testing. Allele origin: germline. Affected: yes. Not counted in ClinVar's aggregate classification.
Comment: PS4_moderate, PM4_supporting, PS3_strong, PP4_strong

Ambry Genetics
Classification: Pathogenic for Cystic fibrosis. Last evaluated: 2026-05-22. Review status: criteria provided, single submitter. Criteria: Ambry Variant Classification Scheme 2023. Collection method: clinical testing. Allele origin: germline. Not counted in ClinVar's aggregate classification.
Comment: The c.1521_1523delCTT (p.F508del) alteration is located in coding exon 11 of the CFTR gene, results from an in-frame CTT deletion at nucleotide positions 1521 to 1523. This results in the deletion of a phenylalanine residue at codon 508. Based on data from gnomAD, the c.1521_1523delCTT allele has an overall frequency of 0.717% (2027/282630) total alleles studied. The highest observed frequency was 1.238% (1598/129034) of European (non-Finnish) alleles. This variant accounts for approximately 70% of cystic fibrosis chromosomes worldwide and is associated with elevated sweat chloride levels, lung disease, pancreatic insufficiency, and Pseudomonas infection (Sosnay, 2013). Disease expression is variable, even among individuals homozygous for p.F508del (Bronsveld, 2001). In vitro functional studies showed this mutation results in significantly reduced chloride conductance (Sosnay, 2013). It is a class II mutation which results in a misfolded CFTR protein that is subsequently degraded (Esposito, 2016). This alteration is predicted to be deleterious by in silico analysis. Based on the available evidence, this alteration is classified as pathogenic.

Labcorp Genetics (formerly Invitae), Labcorp
Classification: Pathogenic for Cystic fibrosis. Last evaluated: 2026-02-04. Review status: criteria provided, single submitter. Criteria: Invitae Variant Classification Sherloc (09022015). Collection method: clinical testing. Allele origin: germline. Not counted in ClinVar's aggregate classification.
Comment: This variant, c.1521_1523delCTT, results in the deletion of 1 amino acid of the CFTR protein (p.Phe508del), but otherwise preserves the integrity of the reading frame. This variant is present in population databases (rs199826652, gnomAD 1.2%), including at least one homozygous and/or hemizygous individual. This variant has been observed in individual(s) with cystic fibrosis and is the most common cause of the condition (PMID: 2475911, 15371902, 23974870). It has also been observed to segregate with disease in related individuals. This variant is also known as deltaF508. ClinVar contains an entry for this variant (Variation ID: 7105). Algorithms developed to predict the effect of variants on gene product structure and function are not available or were not evaluated for this variant. Experimental studies have shown that this variant affects CFTR function (PMID: 2475911, 23974870). For these reasons, this variant has been classified as Pathogenic.

3billion
Classification: Pathogenic for Cystic fibrosis. Last evaluated: 2025-12-18. Review status: criteria provided, single submitter. Criteria: ACMG Guidelines, 2015. Collection method: clinical testing. Allele origin: germline. Affected: yes. Not counted in ClinVar's aggregate classification.
Comment: The variant is observed in the gnomAD v4.1.0 dataset (total allele frequency: 1.193%). Predicted Consequence/Location: Inframe deletion located in a nonrepeat region: predicted to change the length of the protein and disrupt normal protein function. The variant has been reported to be in trans with a pathogenic variant as either compound heterozygous or homozygous in at least one similarly affected unrelated individual (PMID: 26857764). The variant has been reported multiple times as an established pathogenic variant (ClinVar ID: VCV000007105 /PMID: 2475911 /3billion dataset). Therefore, this variant is classified as Pathogenic according to the recommendation of ACMG/AMP guideline.

NHS Central & South Genomic Laboratory Hub
Classification: Pathogenic for Cystic fibrosis diagnostic test. Last evaluated: 2025-10-21. Review status: criteria provided, single submitter. Criteria: ACMG Guidelines, 2015. Collection method: clinical testing. Allele origin: germline. Affected: yes. Not counted in ClinVar's aggregate classification.